The following is an entry in ClinVar:

NM_001267550.2(TTN):c.45268C>A (p.Gln15090Lys)

Genes: TTN (titin; minus strand), LOC126806427 (BRD4-independent group 4 enhancer GRCh37_chr2:179485777-179486976; plus strand). Cytogenetic location: 2q31.2.
Variant type: single nucleotide variant.
Coding change: c.45268C>A on transcript NM_001267550.2 (MANE Select); coding-DNA position 45268, C replaced by A.
Protein change: p.Gln15090Lys; replaces glutamine 15090 with lysine.
Molecular consequence: missense variant.
Genome position (GRCh38, 1-based): chr2:178,621,556, G>T on the plus strand (C>A on the coding strand, the complement: TTN is on the minus strand). VCF-style: chr2-178621556-G-T. GRCh37 (hg19) VCF-style: chr2-179486283-G-T.
Other names: c.37564C>A, p.Gln12522Lys (NM_133378.4); c.40345C>A, p.Gln13449Lys (NM_001256850.1); c.18073C>A, p.Gln6025Lys (NM_003319.4); c.18448C>A, p.Gln6150Lys (NM_133432.3); c.18649C>A, p.Gln6217Lys (NM_133437.4); short protein forms Q15090K, Q12522K, Q6217K, Q13449K, Q6025K, Q6150K.
Identifiers: ClinVar variation 46984 (VCV000046984.16), dbSNP rs397517579, ClinGen allele CA139695.

ClinVar aggregate classification (germline): Conflicting classifications of pathogenicity. Review status: criteria provided, conflicting classifications (1 of 4 stars). 3 submissions from 3 submitters: Uncertain significance (2); Likely benign (1). Last evaluated 2025-07-01.

Allele frequency attached by ClinVar (database versions not stated): gnomAD below 0.00001 and 0.00002; TOPMed 0.00001; gnomAD exomes 0.00007 and 0.00013; ExAC 0.00014.

Submissions (3):

CeGaT Center for Human Genetics Tuebingen
Classification: Likely benign. Last evaluated: 2025-07-01. Review status: criteria provided, single submitter. Criteria: CeGaT Center For Human Genetics Tuebingen Variant Classification Criteria Version 2. Collection method: clinical testing. Allele origin: germline. Affected: yes. Observed: 1 variant allele.
Comment: TTN: BP4

Revvity Omics, Revvity
Classification: Uncertain significance. Last evaluated: 2023-10-03. Review status: criteria provided, single submitter. Criteria: ACMG Guidelines, 2015. Collection method: clinical testing. Allele origin: germline.

Laboratory for Molecular Medicine, Mass General Brigham Personalized Medicine
Classification: Uncertain significance. Last evaluated: 2016-08-03. Review status: criteria provided, single submitter. Criteria: LMM Criteria. Collection method: clinical testing. Allele origin: germline. Observed: 3 variant alleles.
Comment: Variant classified as Uncertain Significance - Favor Benign. This variant has also been identified in 0.1% (17/16502) of South Asian chro mosomes by the Exome Aggregation Consortium (ExAC, g; dbSNP rs397517579). Computational prediction tools and conservation analysis suggest that the p.Gln12522Lys variant may not impact the protein, though this i nformation is not predictive enough to rule out pathogenicity. In summary, while the clinical significance of the p.Gln12522Lys variant is uncertain, these data suggest that it is more likely to be benign.